The following is an entry in ClinVar:

ClinVar aggregate classification (germline): Likely pathogenic. Review status: criteria provided, multiple submitters, no conflicts (2 of 4 stars). 2 submissions from 2 submitters: Likely pathogenic (2). Last evaluated 2024-05-29.

Conditions:
Wilson disease (WND). Also called: Wilson's disease. Identifiers: Orphanet 905, MedGen C0019202, MONDO:0010200, OMIM 277900. Disease mechanism: loss of function.

gnomAD v4.1: 1 of 1,614,284 alleles (0.000062%); highest among the groups gnomAD compares: Non-Finnish European, 0.000085%; no homozygotes.

Submissions (2):

Natera, Inc.
Classification: Likely pathogenic for Wilson disease. Last evaluated: 2024-05-29. Review status: criteria provided, single submitter. Criteria: Natera Variant Classification Schema (03/2026). Collection method: clinical testing. Allele origin: germline.
Comment: The c.3724G>A variant in ATP7B is a missense variant predicted to cause substitution of glutamic acid to lysine at amino acid 1242. This variant is rare in the general population with a frequency below the threshold expected for the associated phenotype(s). This variant has been observed in one or more individuals affected with the associated recessive disease, as either homozygous or compound heterozygous with a second variant (PMID: 37681011, 35220961). Computational prediction algorithms indicate this variant is likely to affect gene or protein function. Given the available evidence, this variant is classified as Likely Pathogenic.

Juno Genomics, Hangzhou Juno Genomics, Inc
Classification: Likely pathogenic for Wilson disease. Review status: criteria provided, single submitter. Criteria: ACMG Guidelines, 2015. Collection method: clinical testing. Allele origin: germline.
Comment: Absent from controls (or at extremely low frequency if recessive) in Genome Aggregation Database.;Multiple lines of computational evidence support a deleterious effect on the gene or gene product.;For recessive disorders, detected in trans with a pathogenic variant.;Patient's phenotype or family history is highly specific for a disease with a single genetic etiology.

Literature cited by the submitters: PubMed 37681011 (cited by Natera, Inc.); PubMed 35220961 (cited by Natera, Inc.).

NM_000053.4(ATP7B):c.3724G>A (p.Glu1242Lys)

Gene: ATP7B (ATPase copper transporting beta; minus strand). Cytogenetic location: 13q14.3.
Variant type: single nucleotide variant.
Coding change: c.3724G>A on transcript NM_000053.4 (MANE Select); coding-DNA position 3724, G replaced by A.
Protein change: p.Glu1242Lys; replaces glutamic acid 1242 with lysine.
Molecular consequence: missense variant. On other transcripts: intron variant (1).
Genome position (GRCh38, 1-based): chr13:51,937,655, C>T on the plus strand (G>A on the coding strand, the complement: ATP7B is on the minus strand). VCF-style: chr13-51937655-C-T. GRCh37 (hg19) VCF-style: chr13-52511791-C-T.
Other names: c.3103G>A, p.Glu1035Lys (NM_001005918.3); c.3391G>A, p.Glu1131Lys (NM_001243182.2); c.3490G>A, p.Glu1164Lys (NM_001330578.2, NM_001406527.1, NM_001406528.1); c.3580G>A, p.Glu1194Lys (NM_001406520.1, NM_001406521.1, NM_001406522.1); c.3541G>A, p.Glu1181Lys (NM_001406523.1); c.3547G>A, p.Glu1183Lys (NM_001406524.1); c.3529G>A, p.Glu1177Lys (NM_001406525.1); c.3484G>A, p.Glu1162Lys (NM_001406530.1); and 21 more; short protein forms E1015K, E1026K, E1035K, E1048K, E1078K, E1080K, E1093K, E1099K.
Identifiers: ClinVar variation 4815461 (VCV004815461.3).